The following is an entry in ClinVar:

ClinVar aggregate classification (germline): Pathogenic. Review status: criteria provided, multiple submitters, no conflicts (2 of 4 stars). 2 submissions from 2 submitters: Pathogenic (2). Last evaluated 2025-08-21.

Conditions:
USH2A-related disorder. Also called: USH2A-related condition; USH2A-related disorders. Identifiers: MedGen CN239332.

Submissions (2):

Labcorp Genetics (formerly Invitae), Labcorp
Classification: Pathogenic. Last evaluated: 2025-08-21. Review status: criteria provided, single submitter. Criteria: Invitae Variant Classification Sherloc (09022015). Collection method: clinical testing. Allele origin: germline.
Comment: This sequence change creates a premature translational stop signal (p.Ser2490Leufs*4) in the USH2A gene. It is expected to result in an absent or disrupted protein product. Loss-of-function variants in USH2A are known to be pathogenic (PMID: 10729113, 10909849, 20507924, 25649381). This variant is not present in population databases (gnomAD no frequency). This premature translational stop signal has been observed in individual(s) with Usher syndrome (PMID: 24944099). ClinVar contains an entry for this variant (Variation ID: 865988). For these reasons, this variant has been classified as Pathogenic.

Blueprint Genetics
Classification: Pathogenic for USH2A-related disorders. Last evaluated: 2019-10-10. Review status: criteria provided, single submitter. Criteria: ACMG Guidelines, 2015. Collection method: clinical testing. Allele origin: germline. Affected: yes. Observed: 2 variant alleles.

Literature cited by the submitters: PubMed 10729113 (cited by Labcorp Genetics (formerly Invitae), Labcorp); PubMed 10909849 (cited by Labcorp Genetics (formerly Invitae), Labcorp); PubMed 20507924 (cited by Labcorp Genetics (formerly Invitae), Labcorp); PubMed 25649381 (cited by Labcorp Genetics (formerly Invitae), Labcorp); PubMed 24944099 (cited by Labcorp Genetics (formerly Invitae), Labcorp).

NM_206933.4(USH2A):c.7468del (p.Ser2490fs)

Gene: USH2A (usherin; minus strand). Cytogenetic location: 1q41.
Variant type: Deletion.
Coding change: c.7468del on transcript NM_206933.4 (MANE Select); coding-DNA position 7468, one base deleted (T; older notation c.7468delT).
Protein change: p.Ser2490fs; shifts the reading frame from serine 2490.
Molecular consequence: frameshift variant.
Genome position (GRCh38, 1-based): chr1:215,900,201, A deleted on the plus strand (T on the coding strand, the reverse complement: USH2A is on the minus strand); the first of 2 consecutive A bases (chr1:215,900,201-215,900,202); deleting either gives the same sequence. VCF-style (leftmost placement, unchanged base first): chr1-215900200-GA-G. GRCh37 (hg19) VCF-style: chr1-216073542-GA-G.
Other names: short protein forms S2490fs.
Identifiers: ClinVar variation 865988 (VCV000865988.11), dbSNP rs1665453379, ClinGen allele CA916082132.